The following is an entry in ClinVar:

ClinVar aggregate classification (germline): Conflicting classifications of pathogenicity. Review status: criteria provided, conflicting classifications (1 of 4 stars). 11 submissions from 11 submitters: Uncertain significance (2); Benign (1); Likely benign (7). 1 of the submissions does not count toward it. Last evaluated 2026-02-02.

Conditions:
ACTN2-related disorder. Also called: ACTN2-related disorders; ACTN2 related condition.
Cardiovascular phenotype. Identifiers: MedGen CN230736.
Primary familial hypertrophic cardiomyopathy (HCM). Identifiers: Orphanet 99739, MedGen C0949658, MeSH D024741, MONDO:0024573. Inheritance: Various modes of inheritance.
Dilated cardiomyopathy 1AA (CMD1AA). Also called: Cardiomyopathy, dilated, 1AA, with or without LVNC; CARDIOMYOPATHY, DILATED, 1AA, WITH OR WITHOUT LEFT VENTRICULAR NONCOMPACTION; CARDIOMYOPATHY, FAMILIAL HYPERTROPHIC, 23, WITH OR WITHOUT LEFT VENTRICULAR NONCOMPACTION. Identifiers: Orphanet 154, MedGen C2677338, MONDO:0012808, OMIM 612158.
Cardiomyopathy (CMYO). Also called: Cardiomyopathies. Identifiers: Orphanet 167848, MedGen C0878544, MONDO:0004994, HP:0001638. Inheritance: Various modes of inheritance.
Hypertrophic cardiomyopathy 1 (CMH1). Also called: Familial hypertrophic cardiomyopathy 1; MYH7-Related Familial Hypertrophic Cardiomyopathy. Identifiers: MedGen C3495498, MONDO:0008647, OMIM 192600.

Allele frequency attached by ClinVar (database versions not stated): gnomAD 0.00025 and 0.00026; ESP Exome Variant Server 0.00031; TOPMed 0.00019.
gnomAD v4.1: 363 of 1,613,960 alleles (0.022%); highest among the groups gnomAD compares: Admixed American, 0.025%; no homozygotes.

Submissions (11):

Labcorp Genetics (formerly Invitae), Labcorp
Classification: Likely benign for Primary familial hypertrophic cardiomyopathy; Dilated cardiomyopathy 1AA. Last evaluated: 2026-02-02. Review status: criteria provided, single submitter. Criteria: Invitae Variant Classification Sherloc (09022015). Collection method: clinical testing. Allele origin: germline.

Women's Health and Genetics/Laboratory Corporation of America, LabCorp
Classification: Likely benign. Last evaluated: 2026-01-05. Review status: criteria provided, single submitter. Criteria: LabCorp Variant Classification Summary - May 2015. Collection method: clinical testing. Allele origin: germline.
Comment: Variant summary: ACTN2 c.2161C>A (p.Arg721Ser) results in a non-conservative amino acid change in the encoded protein sequence. Algorithms developed to predict the effect of missense changes on protein structure and function are either unavailable or do not agree on the potential impact of this missense change. The variant allele was found at a frequency of 0.00052 in 251484 control chromosomes. The observed variant frequency exceeds the estimated maximal expected allele frequency for disease-causing variants in ACTN2. c.2161C>A has been reported in the literature in at least one individual affected with Cardiomyopathy (Pugh_2014). This report does not provide unequivocal conclusions about association of the variant with Cardiomyopathy. To our knowledge, no experimental evidence demonstrating an impact on protein function has been reported. The following publications have been ascertained in the context of this evaluation (PMID: 28301460, 24503780). ClinVar contains an entry for this variant (Variation ID: 177937). Based on the evidence outlined above, the variant was classified as likely benign.

Blueprint Genetics
Classification: Likely benign. Last evaluated: 2024-11-26. Review status: criteria provided, single submitter. Criteria: ACMG Guidelines, 2015. Collection method: clinical testing. Allele origin: germline.

GeneDx
Classification: Likely benign. Last evaluated: 2021-01-29. Review status: criteria provided, single submitter. Criteria: GeneDx Variant Classification Process June 2021. Collection method: clinical testing. Allele origin: germline. Affected: yes.
Comment: This variant is associated with the following publications: (PMID: 23861362, 24503780)

Molecular Diagnostic Laboratory for Inherited Cardiovascular Disease, Montreal Heart Institute
Classification: Uncertain significance for Hypertrophic cardiomyopathy 1. Last evaluated: 2020-01-31. Review status: criteria provided, single submitter. Criteria: ACMG Guidelines, 2015. Collection method: clinical testing. Allele origin: germline. Affected: yes.

CHEO Genetics Diagnostic Laboratory, Children's Hospital of Eastern Ontario
Classification: Benign for Cardiomyopathy. Last evaluated: 2019-02-20. Review status: criteria provided, single submitter. Criteria: ACMG Guidelines, 2015. Collection method: clinical testing. Allele origin: germline.

Ambry Genetics
Classification: Likely benign for Cardiovascular phenotype. Last evaluated: 2018-06-20. Review status: criteria provided, single submitter. Criteria: Ambry Variant Classification Scheme 2023. Collection method: clinical testing. Allele origin: germline.

Illumina Laboratory Services, Illumina
Classification: Likely benign for Dilated cardiomyopathy 1AA. Last evaluated: 2017-04-27. Review status: criteria provided, single submitter. Criteria: ICSL Variant Classification Criteria 13 December 2019. Collection method: clinical testing. Allele origin: germline.
Comment: This variant was observed as part of a predisposition screen in an ostensibly healthy population. A literature search was performed for the gene, cDNA change, and amino acid change (where applicable). Publications were found based on this search. The evidence from the literature, in combination with allele frequency data from public databases where available, was sufficient to determine this variant is unlikely to cause disease. Therefore, this variant is classified as likely benign.

Laboratory for Molecular Medicine, Mass General Brigham Personalized Medicine
Classification: Uncertain significance. Last evaluated: 2015-10-01. Review status: criteria provided, single submitter. Criteria: LMM Criteria. Collection method: clinical testing. Allele origin: germline. Observed: 8 variant alleles.
Comment: The p.Arg721Ser variant in ACTN2 has been identified by our laboratory in 1 adul t with DCM and 4 adults with HCM. This variant has also been identified in 39/66 732 European chromosomes by the Exome Aggregation Consortium (ExAC.; dbSNP rs149433837). Computational prediction tools and conse rvation analysis suggest that the p.Arg721Ser variant may impact the protein, th ough this information is not predictive enough to determine pathogenicity. In su mmary, the clinical significance of the p.Arg721Ser variant is uncertain.

Biesecker Lab/Clinical Genomics Section, National Institutes of Health
Classification: Likely benign. Last evaluated: 2013-06-24. Review status: criteria provided, single submitter. Criteria: Ng et al. (Circ Cardiovasc Genet. 2013). Collection method: research. Allele origin: unknown. Observed: 2 variant alleles. Study: ClinSeq.
Comment: The study set was not selected for affection status in relation to any cancer. Pathogenicity categories were based on literature curation. See Pubmed ID:23861362 for details.

Medical sequencing

PreventionGenetics, part of Exact Sciences
Classification: Likely benign for ACTN2-related condition. Last evaluated: 2020-03-09. Review status: no assertion criteria provided. Collection method: clinical testing. Allele origin: germline. Not counted in ClinVar's aggregate classification.
Comment: This variant is classified as likely benign based on ACMG/AMP sequence variant interpretation guidelines (Richards et al. 2015 PMID: 25741868, with internal and published modifications).

Literature cited by the submitters: PubMed 24503780 (cited by 3 submitters); PubMed 28301460 (cited by Women's Health and Genetics/Laboratory Corporation of America, LabCorp); PubMed 23861362 (cited by Illumina Laboratory Services, Illumina and Laboratory for Molecular Medicine, Mass General Brigham Personalized Medicine).

NM_001103.4(ACTN2):c.2161C>A (p.Arg721Ser)

Gene: ACTN2 (actinin alpha 2; plus strand). Cytogenetic location: 1q43.
Variant type: single nucleotide variant.
Coding change: c.2161C>A on transcript NM_001103.4 (MANE Select); coding-DNA position 2161, C replaced by A.
Protein change: p.Arg721Ser; replaces arginine 721 with serine.
Molecular consequence: missense variant.
Genome position (GRCh38, 1-based): chr1:236,757,492, C>A. VCF-style: chr1-236757492-C-A. GRCh37 (hg19) VCF-style: chr1-236920792-C-A.
Other names: p.R721S:CGT>AGT; c.2161C>A, p.Arg721Ser (NM_001278343.2); c.1537C>A, p.Arg513Ser (NM_001278344.2); short protein forms R721S, R513S.
Identifiers: ClinVar variation 177937 (VCV000177937.34), dbSNP rs149433837, ClinGen allele CA181031.